The following is an entry in ClinVar:

NM_005912.3(MC4R):c.941A>C (p.Lys314Thr)

Gene: MC4R (melanocortin 4 receptor; minus strand). Cytogenetic location: 18q21.32.
Variant type: single nucleotide variant.
Coding change: c.941A>C on transcript NM_005912.3 (MANE Select); coding-DNA position 941, A replaced by C.
Protein change: p.Lys314Thr; replaces lysine 314 with threonine.
Molecular consequence: missense variant.
Genome position (GRCh38, 1-based): chr18:60,371,409, T>G on the plus strand (A>C on the coding strand, the complement: MC4R is on the minus strand). VCF-style: chr18-60371409-T-G. GRCh37 (hg19) VCF-style: chr18-58038642-T-G.
Other names: short protein forms K314T.
Identifiers: ClinVar variation 3346359 (VCV003346359.1).
Genomic context (GRCh38, chr18:60,371,409, plus strand): 5'-ATTTAATATCTGCTAGACAAGTCACAAAGGCCTCCCAGGGGATAGCAACAGATGATCTCT[T>G]TGAAGGTTTTCCTCAGTTCTTGACTCCGGAGTGCATAAATCAGAGGATCGATGATTGAAT-3'
Protein context (NP_005903.2, residues 304-324): LRSQELRKTF[Lys314Thr]EIICCYPLGG

ClinVar aggregate classification (germline): Uncertain significance (0 of 4 stars; one submission).

Conditions:
MC4R-related disorder. Also called: MC4R-related condition.

gnomAD v4.1: 1 of 1,614,214 alleles (0.000062%); highest among the groups gnomAD compares: Admixed American, 0.0017%; no homozygotes.

Submission:

PreventionGenetics, part of Exact Sciences
Classification: Uncertain significance for MC4R-related condition. Last evaluated: 2024-05-21. Review status: no assertion criteria provided. Collection method: clinical testing. Allele origin: germline.
Comment: The MC4R c.941A>C variant is predicted to result in the amino acid substitution p.Lys314Thr. This variant has been reported in an individual with obesity whom underwent bariatric surgery (LB308; Lim et al. 2023. PubMed ID 37070693). This variant is reported in 0.0029% of alleles in individuals of Latino descent in gnomAD. Although we suspect that this variant may be pathogenic, at this time, the clinical significance of this variant is uncertain due to the absence of conclusive functional and genetic evidence.